The following is an entry in ClinVar:

NM_001370259.2(MEN1):c.1831_1832del (p.Ter611AsnextTer?)

Gene: MEN1 (menin 1; minus strand). Cytogenetic location: 11q13.1.
Variant type: Deletion.
Coding change: c.1831_1832del on transcript NM_001370259.2 (MANE Select); coding-DNA positions 1831 to 1832, 2 bases deleted (TG; older notation c.1831_1832delTG).
Protein change: p.Ter611AsnextTer?.
Molecular consequence: frameshift variant, stop lost. On other transcripts: non-coding transcript variant (4).
Genome position (GRCh38, 1-based): chr11:64,804,335-64,804,336, CA deleted on the plus strand (TG on the coding strand, the reverse complement: MEN1 is on the minus strand). VCF-style (leftmost placement, unchanged base first): chr11-64804334-TCA-T. GRCh37 (hg19) VCF-style: chr11-64571806-TCA-T.
Other names: c.1846_1847del, p.Ter616AsnextTer? (NM_000244.4, NM_001407145.1, NM_130800.3 and 4 more transcripts); c.1957_1958del, p.Ter653AsnextTer? (NM_001370251.2, NM_001407142.1, NM_001407143.1 and 1 more transcripts); c.1831_1832del, p.Ter611AsnextTer? (NM_001370260.2, NM_001370261.2, NM_001407146.1 and 2 more transcripts); c.1726_1727del, p.Ter576AsnextTer? (NM_001370262.2, NM_001370263.2, NM_001407148.1 and 1 more transcripts); c.1972_1973del, p.Ter658AsnextTer? (NM_001407150.1); c.1852_1853del, p.Ter618AsnextTer? (NM_001407151.1); c.1666_1667del, p.Ter556AsnextTer? (NM_001407152.1).
Identifiers: ClinVar variation 2815238 (VCV002815238.3), dbSNP rs2497097244, ClinGen allele CA2739270520.

ClinVar aggregate classification (germline): Uncertain significance (1 of 4 stars; one submission).

Conditions:
Multiple endocrine neoplasia, type 1 (MEN1). Also called: MEN I; WERMER SYNDROME; Endocrine adenomatosis multiple; MEN 1; MEA I. Identifiers: Orphanet 652, MedGen C0025267, MeSH D018761, MONDO:0007540, OMIM 131100.

Submission:

Labcorp Genetics (formerly Invitae), Labcorp
Classification: Uncertain significance for Multiple endocrine neoplasia, type 1. Last evaluated: 2025-07-30. Review status: criteria provided, single submitter. Criteria: Invitae Variant Classification Sherloc (09022015). Collection method: clinical testing. Allele origin: germline.
Comment: This sequence change disrupts the translational stop signal of the MEN1 mRNA. It is expected to extend the length of the MEN1 protein by 66 additional amino acid residues. This variant is not present in population databases (gnomAD no frequency). This variant has not been reported in the literature in individuals affected with MEN1-related conditions. ClinVar contains an entry for this variant (Variation ID: 2815238). Experimental studies and prediction algorithms are not available or were not evaluated, and the functional significance of this variant is currently unknown. In summary, the available evidence is currently insufficient to determine the role of this variant in disease. Therefore, it has been classified as a Variant of Uncertain Significance.